The following is an entry in ClinVar:

ClinVar aggregate classification (germline): Uncertain significance (1 of 4 stars; one submission).

Conditions:
Malignant hyperthermia, susceptibility to, 5 (MHS5). Also called: CACNA1S-Related Malignant Hyperthermia Susceptibility. Identifiers: Orphanet 423, MedGen C1866077, MONDO:0011163, OMIM 601887.
Hypokalemic periodic paralysis, type 1. Also called: HypoPP; Hypokalemic Periodic Paralysis Type 1 (AD). Identifiers: Orphanet 681, MedGen C3714580, MONDO:0042979, OMIM 170400.

Allele frequency attached by ClinVar (database versions not stated): gnomAD exomes below 0.00001; ExAC 0.00001.

Submission:

Labcorp Genetics (formerly Invitae), Labcorp
Classification: Uncertain significance for Hypokalemic periodic paralysis, type 1; Malignant hyperthermia, susceptibility to, 5. Last evaluated: 2023-10-10. Review status: criteria provided, single submitter. Criteria: Invitae Variant Classification Sherloc (09022015). Collection method: clinical testing. Allele origin: germline.
Comment: This sequence change replaces methionine, which is neutral and non-polar, with threonine, which is neutral and polar, at codon 1056 of the CACNA1S protein (p.Met1056Thr). This variant is present in population databases (rs746769339, gnomAD 0.006%). This variant has not been reported in the literature in individuals affected with CACNA1S-related conditions. Advanced modeling of protein sequence and biophysical properties (such as structural, functional, and spatial information, amino acid conservation, physicochemical variation, residue mobility, and thermodynamic stability) performed at Invitae indicates that this missense variant is expected to disrupt CACNA1S protein function. In summary, the available evidence is currently insufficient to determine the role of this variant in disease. Therefore, it has been classified as a Variant of Uncertain Significance.

NM_000069.3(CACNA1S):c.3167T>C (p.Met1056Thr)

Gene: CACNA1S (calcium voltage-gated channel subunit alpha1 S; minus strand). Cytogenetic location: 1q32.1.
Variant type: single nucleotide variant.
Coding change: c.3167T>C on transcript NM_000069.3 (MANE Select); coding-DNA position 3167, T replaced by C.
Protein change: p.Met1056Thr; replaces methionine 1056 with threonine.
Molecular consequence: missense variant.
Genome position (GRCh38, 1-based): chr1:201,061,355, A>G on the plus strand (T>C on the coding strand, the complement: CACNA1S is on the minus strand). VCF-style: chr1-201061355-A-G. GRCh37 (hg19) VCF-style: chr1-201030483-A-G.
Other names: short protein forms M1056T.
Identifiers: ClinVar variation 2936097 (VCV002936097.3), dbSNP rs746769339, ClinGen allele CA079576.
Genomic context (GRCh38, chr1:201,061,355, plus strand): 5'-TACTCAGTCTCTCCCTGCTCCTGGAAGGTGACAATGACGAAGCCCACAAAGATGTTCATC[A>G]TGAAGAAGGCAATGAGGATGATGTAGATGATGAAGAAGATGGCCATCTCCACACGGTTGT-3'
Protein context (NP_000060.2, residues 1046-1066): IIYIILIAFF[Met1056Thr]MNIFVGFVIV